The following is an entry in ClinVar:

ClinVar aggregate classification (germline): Likely pathogenic. Review status: criteria provided, single submitter (1 of 4 stars). 2 submissions from 2 submitters: Likely pathogenic (1). 1 of the submissions does not count toward it. Last evaluated 2017-08-19.

Conditions:
Hereditary breast ovarian cancer syndrome. Also called: Hereditary breast and ovarian cancer syndrome (HBOC); Breast and ovarian cancer; BRCA1- and BRCA2-Associated Hereditary Breast and Ovarian Cancer; Hereditary breast and/or ovarian cancer syndrome; Hereditary breast and ovarian cancer; Hereditary breast and ovarian cancer syndrome. Identifiers: Orphanet 145, MedGen C0677776, MeSH D061325, MONDO:0003582. Disease mechanism: loss of function.

Submissions (2):

Labcorp Genetics (formerly Invitae), Labcorp
Classification: Likely pathogenic for Hereditary breast ovarian cancer syndrome. Last evaluated: 2017-08-19. Review status: criteria provided, single submitter. Criteria: Invitae Variant Classification Sherloc (09022015). Collection method: clinical testing. Allele origin: germline.
Comment: In summary, the currently available evidence indicates that the variant is pathogenic, but additional data are needed to prove that conclusively. Therefore, this variant has been classified as Likely Pathogenic. Donor and acceptor splice site variants typically lead to a loss of protein function (PMID: 16199547), and loss-of-function variants in BRCA2 are known to be pathogenic (PMID: 20104584). This variant has not been reported in the literature in individuals with BRCA2-related disease. This variant is not present in population databases (ExAC no frequency). This sequence change affects the acceptor splice site in intron 17 of the BRCA2 gene. It is expected to disrupt RNA splicing and likely results in an absent or disrupted protein product.

Research Molecular Genetics Laboratory, Women's College Hospital, University of Toronto
Classification: Pathogenic for Hereditary breast ovarian cancer syndrome. Last evaluated: 2014-01-31. Review status: no assertion criteria provided. Collection method: research. Allele origin: germline. Affected: yes. Study: The Canadian Open Genetics Repository (COGR). Not counted in ClinVar's aggregate classification.

Literature cited by the submitters: PubMed 16199547 (cited by Labcorp Genetics (formerly Invitae), Labcorp); PubMed 20104584 (cited by Labcorp Genetics (formerly Invitae), Labcorp).

NM_000059.4(BRCA2):c.7977-3_7977-2delinsAG

Gene: BRCA2 (BRCA2 DNA repair associated; plus strand). Cytogenetic location: 13q13.1.
Variant type: Indel.
Coding change: c.7977-3_7977-2delinsAG on transcript NM_000059.4 (MANE Select); 3 bases into the intron before coding-DNA position 7977 through the canonical splice acceptor site of the intron before coding-DNA position 7977, TA replaced by AG.
Molecular consequence: splice acceptor variant.
Genome position (GRCh38, 1-based): chr13:32,363,176-32,363,177, TA replaced by AG. VCF-style: chr13-32363176-TA-AG. GRCh37 (hg19) VCF-style: chr13-32937313-TA-AG.
Identifiers: ClinVar variation 431338 (VCV000431338.9), dbSNP rs1135401921, ClinGen allele CA645372928.